The following is an entry in ClinVar:

NM_012418.4(FSCN2):c.1294T>C (p.Tyr432His)

Gene: FSCN2 (fascin actin-bundling protein 2, retinal; plus strand). Cytogenetic location: 17q25.3.
Variant type: single nucleotide variant.
Coding change: c.1294T>C on transcript NM_012418.4 (MANE Select); coding-DNA position 1294, T replaced by C.
Protein change: p.Tyr432His; replaces tyrosine 432 with histidine.
Molecular consequence: missense variant.
Genome position (GRCh38, 1-based): chr17:81,536,895, T>C. VCF-style: chr17-81536895-T-C. GRCh37 (hg19) VCF-style: chr17-79503921-T-C.
Other names: c.1366T>C, p.Tyr456His (NM_001077182.3); short protein forms Y432H, Y456H.
Identifiers: ClinVar variation 3000585 (VCV003000585.3), dbSNP rs1568083969, ClinGen allele CA401478446.

ClinVar aggregate classification (germline): Uncertain significance (1 of 4 stars; one submission).

Allele frequency attached by ClinVar (database versions not stated): TOPMed below 0.00001.
gnomAD v4.1: 6 of 1,578,386 alleles (0.00038%); highest among the groups gnomAD compares: Non-Finnish European, 0.00052%; no homozygotes.

Submission:

Labcorp Genetics (formerly Invitae), Labcorp
Classification: Uncertain significance. Last evaluated: 2022-11-17. Review status: criteria provided, single submitter. Criteria: Invitae Variant Classification Sherloc (09022015). Collection method: clinical testing. Allele origin: germline.
Comment: In summary, the available evidence is currently insufficient to determine the role of this variant in disease. Therefore, it has been classified as a Variant of Uncertain Significance. Algorithms developed to predict the effect of missense changes on protein structure and function output the following: SIFT: "Tolerated"; PolyPhen-2: "Benign"; Align-GVGD: "Class C0". The histidine amino acid residue is found in multiple mammalian species, which suggests that this missense change does not adversely affect protein function. This variant has not been reported in the literature in individuals affected with FSCN2-related conditions. This variant is not present in population databases (gnomAD no frequency). This sequence change replaces tyrosine, which is neutral and polar, with histidine, which is basic and polar, at codon 456 of the FSCN2 protein (p.Tyr456His).